The following is an entry in ClinVar:

ClinVar aggregate classification (germline): Pathogenic. Review status: criteria provided, multiple submitters, no conflicts (2 of 4 stars). 5 submissions from 5 submitters: Pathogenic (5). Last evaluated 2025-12-15.

Conditions:
Fanconi anemia complementation group G. Also called: FANCG-Related Fanconi Anemia; Fanconi anemia group G. Identifiers: Orphanet 84, MedGen C3469527, MONDO:0013565, OMIM 614082.
FANCG-related disorders.
Fanconi anemia (FA). Also called: Fanconi's anemia. Identifiers: Orphanet 84, MedGen C0015625, MeSH D005199, MONDO:0019391.

Submissions (5):

Natera, Inc.
Classification: Pathogenic for Fanconi anemia group G. Last evaluated: 2025-12-15. Review status: criteria provided, single submitter. Criteria: Natera Variant Classification Schema (03/2026). Collection method: clinical testing. Allele origin: germline.
Comment: The c.1182_1192delTGAGGTGTTTTinsC variant in FANCG is a frameshift variant predicted to shift the reading frame beginning at codon 395 and leads to a stop codon 5 codons downstream. This variant is expected to result in nonsense mediated decay, truncation, or a dysfunctional protein product. This variant is rare in the general population with a frequency below the threshold expected for the associated phenotype(s). This variant has been observed in one or more individuals affected with the associated recessive disease, as either homozygous or compound heterozygous with a second variant (PMID: 29247345). Given the available evidence, this variant is classified as Pathogenic.

Fulgent Genetics
Classification: Pathogenic for Fanconi anemia complementation group G. Last evaluated: 2024-05-04. Review status: criteria provided, single submitter. Criteria: ACMG Guidelines, 2015. Collection method: clinical testing. Allele origin: germline.

Blueprint Genetics
Classification: Pathogenic for FANCG-related disorders. Last evaluated: 2024-04-23. Review status: criteria provided, single submitter. Criteria: ACMG Guidelines, 2015. Collection method: clinical testing. Allele origin: germline. Affected: yes. Observed: 3 variant alleles.

Baylor Genetics
Classification: Pathogenic for Fanconi anemia complementation group G. Last evaluated: 2024-03-06. Review status: criteria provided, single submitter. Criteria: ACMG Guidelines, 2015. Collection method: clinical testing. Allele origin: unknown.

Labcorp Genetics (formerly Invitae), Labcorp
Classification: Pathogenic for Fanconi anemia. Last evaluated: 2021-05-27. Review status: criteria provided, single submitter. Criteria: Invitae Variant Classification Sherloc (09022015). Collection method: clinical testing. Allele origin: germline.
Comment: This sequence change creates a premature translational stop signal (p.Glu395Trpfs*5) in the FANCG gene. It is expected to result in an absent or disrupted protein product. For these reasons, this variant has been classified as Pathogenic. Loss-of-function variants in FANCG are known to be pathogenic (PMID: 12552564). This variant has been observed to be homozygous or in combination with another FANCG variant in individuals affected with Fanconi anemia (PMID: 11093276, 24584348, 29247345) and has been shown to be heterozygous in an individual affected with breast cancer and ovarian cancer (PMID: 30426508). The frequency data for this variant in the population databases is considered unreliable, as metrics indicate poor data quality at this position in the ExAC database.

Literature cited by the submitters: PubMed 29247345 (cited by Natera, Inc.); PubMed 12552564 (cited by Labcorp Genetics (formerly Invitae), Labcorp); PubMed 30426508 (cited by Labcorp Genetics (formerly Invitae), Labcorp).

NM_004629.2(FANCG):c.1182_1192delinsC (p.Glu395fs)

Gene: FANCG (FA complementation group G; minus strand). Cytogenetic location: 9p13.3.
Variant type: Indel.
Coding change: c.1182_1192delinsC on transcript NM_004629.2 (MANE Select); coding-DNA positions 1182 to 1192, TGAGGTGTTTT replaced by C.
Protein change: p.Glu395fs; shifts the reading frame from glutamic acid 395.
Molecular consequence: frameshift variant.
Genome position (GRCh38, 1-based): chr9:35,075,706-35,075,716, AAAACACCTCA replaced by G on the plus strand (TGAGGTGTTTT replaced by C on the coding strand, the reverse complement: FANCG is on the minus strand). VCF-style: chr9-35075706-AAAACACCTCA-G. GRCh37 (hg19) VCF-style: chr9-35075703-AAAACACCTCA-G.
Other names: c.1182_1192delTGAGGTGTTTTinsC (NM_004629.1); short protein forms E395fs.
Identifiers: ClinVar variation 969518 (VCV000969518.11), dbSNP rs397507559, ClinGen allele CA1139660966.